The following is an entry in ClinVar:

ClinVar aggregate classification (germline): Uncertain significance (1 of 4 stars; one submission).

gnomAD v4.1: 7 of 1,613,764 alleles (0.00043%); highest among the groups gnomAD compares: Non-Finnish European, 0.00059%; no homozygotes.

Submission:

GeneDx
Classification: Uncertain significance. Last evaluated: 2025-07-03. Review status: criteria provided, single submitter. Criteria: GeneDx Variant Classification Process June 2021. Collection method: clinical testing. Allele origin: germline. Affected: yes.
Comment: Not observed at significant frequency in large population cohorts (gnomAD); In silico analysis suggests that this missense variant does not alter protein structure/function; Has not been previously published as pathogenic or benign to our knowledge

NM_004817.4(TJP2):c.340A>G (p.Ile114Val)

Gene: TJP2 (tight junction protein 2; plus strand). Cytogenetic location: 9q21.11.
Variant type: single nucleotide variant.
Coding change: c.340A>G on transcript NM_004817.4 (MANE Select); coding-DNA position 340, A replaced by G.
Protein change: p.Ile114Val; replaces isoleucine 114 with valine.
Molecular consequence: missense variant.
Genome position (GRCh38, 1-based): chr9:69,218,357, A>G. VCF-style: chr9-69218357-A-G. GRCh37 (hg19) VCF-style: chr9-71833273-A-G.
Other names: c.271A>G, p.Ile91Val (NM_001170414.2, NM_001369870.1, NM_001369871.1); c.352A>G, p.Ile118Val (NM_001170415.1, NM_001369874.1, NM_001369875.1); c.433A>G, p.Ile145Val (NM_001170416.2); c.340A>G, p.Ile114Val (NM_001369872.1, NM_001369873.1, NM_201629.3); short protein forms I114V, I118V, I145V, I91V.
Identifiers: ClinVar variation 4681090 (VCV004681090.1).